The following is an entry in ClinVar:

ClinVar aggregate classification (germline): Pathogenic (1 of 4 stars; one submission).

Conditions:
Familial thoracic aortic aneurysm and aortic dissection (TAAD). Also called: Thoracic aortic aneurysms and dissections. Identifiers: Orphanet 91387, MedGen C4707243, MONDO:0019625.
Marfan syndrome (MFS). Also called: FBN1-Related Marfan Syndrome; Marfan's syndrome; MARFAN SYNDROME, TYPE I; Marfan syndrome type 1; Marfan syndrome, classic. Identifiers: Orphanet 284963, Orphanet 558, MedGen C0024796, MONDO:0007947, OMIM 154700.

Submission:

Labcorp Genetics (formerly Invitae), Labcorp
Classification: Pathogenic for Marfan syndrome; Familial thoracic aortic aneurysm and aortic dissection. Last evaluated: 2019-12-18. Review status: criteria provided, single submitter. Criteria: Invitae Variant Classification Sherloc (09022015). Collection method: clinical testing. Allele origin: germline.
Comment: This sequence change creates a premature translational stop signal (p.Pro2041Phefs*15) in the FBN1 gene. It is expected to result in an absent or disrupted protein product. For these reasons, this variant has been classified as Pathogenic. Loss-of-function variants in FBN1 are known to be pathogenic (PMID: 17657824, 19293843). This variant has not been reported in the literature in individuals with FBN1-related conditions. This variant is not present in population databases (ExAC no frequency).

Literature cited by the submitters: PubMed 17657824; PubMed 19293843.

NM_000138.5(FBN1):c.6121_6130del (p.Pro2041fs)

Gene: FBN1 (fibrillin 1; minus strand). Cytogenetic location: 15q21.1.
Variant type: Deletion.
Coding change: c.6121_6130del on transcript NM_000138.5 (MANE Select); coding-DNA positions 6121 to 6130, 10 bases deleted (CCAGAAGGGT; older notation c.6121_6130delCCAGAAGGGT).
Protein change: p.Pro2041fs; shifts the reading frame from proline 2041.
Molecular consequence: frameshift variant.
Genome position (GRCh38, 1-based): chr15:48,441,754-48,441,763, ACCCTTCTGG deleted on the plus strand (CCAGAAGGGT on the coding strand, the reverse complement: FBN1 is on the minus strand); deleting any 10 consecutive bases within chr15:48,441,754-48,441,765 gives the same sequence; the c. name uses the placement nearest the transcript's 3' end. VCF-style (leftmost placement, unchanged base first): chr15-48441753-AACCCTTCTGG-A. GRCh37 (hg19) VCF-style: chr15-48733950-AACCCTTCTGG-A.
Other names: short protein forms P2041fs.
Identifiers: ClinVar variation 850747 (VCV000850747.8), dbSNP rs2043116708, ClinGen allele CA916082414.